The following is an entry in ClinVar:

ClinVar aggregate classification (germline): Benign/Likely benign. Review status: criteria provided, multiple submitters, no conflicts (2 of 4 stars). 3 submissions from 3 submitters: Benign (2); Likely benign (1). Last evaluated 2026-01-27.

Allele frequency attached by ClinVar (database versions not stated): 1000 Genomes Project 0.00579; 1000 Genomes Project 30x 0.00703; ESP Exome Variant Server 0.00290; gnomAD 0.00469; TOPMed 0.00559.
gnomAD v4.1: 1,578 of 1,543,338 alleles (0.1%); highest among the groups gnomAD compares: African/African-American, 1.8%; 9 homozygotes.

Submissions (3):

Labcorp Genetics (formerly Invitae), Labcorp
Classification: Benign. Last evaluated: 2026-01-27. Review status: criteria provided, single submitter. Criteria: Invitae Variant Classification Sherloc (09022015). Collection method: clinical testing. Allele origin: germline.

Blueprint Genetics
Classification: Likely benign. Last evaluated: 2024-08-30. Review status: criteria provided, single submitter. Criteria: ACMG Guidelines, 2015. Collection method: clinical testing. Allele origin: germline.

GeneDx
Classification: Benign. Last evaluated: 2017-11-02. Review status: criteria provided, single submitter. Criteria: GeneDx Variant Classification (06012015). Collection method: clinical testing. Allele origin: germline. Affected: yes.
Comment: This variant is considered likely benign or benign based on one or more of the following criteria: it is a conservative change, it occurs at a poorly conserved position in the protein, it is predicted to be benign by multiple in silico algorithms, and/or has population frequency not consistent with disease.

NM_001370595.2(COA8):c.41C>G (p.Pro14Arg)

Gene: COA8 (cytochrome c oxidase assembly factor 8; plus strand). Cytogenetic location: 14q32.33.
Variant type: single nucleotide variant.
Coding change: c.41C>G on transcript NM_001370595.2 (MANE Select); coding-DNA position 41, C replaced by G.
Protein change: p.Pro14Arg; replaces proline 14 with arginine.
Molecular consequence: missense variant. On other transcripts: non-coding transcript variant (2).
Genome position (GRCh38, 1-based): chr14:103,563,042, C>G. VCF-style: chr14-103563042-C-G. GRCh37 (hg19) VCF-style: chr14-104029379-C-G.
Other names: c.41C>G, p.Pro14Arg (NM_001302653.2, NM_001302654.2); c.80C>G (NM_032374.4); short protein forms P14R.
Identifiers: ClinVar variation 382991 (VCV000382991.12), dbSNP rs74917403, ClinGen allele CA7365396.